The following is an entry in ClinVar:

ClinVar aggregate classification (germline): Uncertain significance (1 of 4 stars; one submission).

Conditions:
Recombinase activating gene 2 deficiency. Also called: RAG2 deficiency. Identifiers: MedGen CN257931, MONDO:0000573.

Submission:

Myriad Genetics, Inc.
Classification: Uncertain significance for Recombinase activating gene 2 deficiency. Last evaluated: 2026-01-07. Review status: criteria provided, single submitter. Criteria: Myriad Autosomal Dominant, Autosomal Recessive and X-Linked Classification Criteria (2023). Collection method: clinical testing. Allele origin: unknown.
Comment: NM_001243785.1(RAG2):c.1509_1514del6(K503_L505delinsN) is an in-frame deletion classified as a variant of uncertain significance in the context of severe combined immunodeficiency, RAG2-related. K503_L505delinsN has not been observed in cases with relevant disease. Relevant functional assessments of this variant are not available in the literature. K503_L505delinsN has not been observed in referenced population frequency databases. In summary, there is insufficient evidence to classify NM_001243785.1(RAG2):c.1509_1514del6(K503_L505delinsN) as pathogenic or benign. Please note: this variant was assessed in the context of healthy population screening.

NM_000536.4(RAG2):c.1509_1514del (p.Lys503_Leu505delinsAsn)

Gene: RAG2 (recombination activating 2; minus strand). Cytogenetic location: 11p12.
Variant type: Deletion.
Coding change: c.1509_1514del on transcript NM_000536.4 (MANE Select); coding-DNA positions 1509 to 1514, 6 bases deleted (ATCCCT; older notation c.1509_1514delATCCCT).
Protein change: p.Lys503_Leu505delinsAsn.
Molecular consequence: inframe indel.
Genome position (GRCh38, 1-based): chr11:36,592,655-36,592,660, AGGGAT deleted on the plus strand (ATCCCT on the coding strand, the reverse complement: RAG2 is on the minus strand). VCF-style (leftmost placement, unchanged base first): chr11-36592654-GAGGGAT-G. GRCh37 (hg19) VCF-style: chr11-36614204-GAGGGAT-G.
Other names: c.1509_1514del, p.Lys503_Leu505delinsAsn (NM_001243785.2, NM_001243786.2).
Identifiers: ClinVar variation 5003571 (VCV005003571.1).